The following is an entry in ClinVar:

ClinVar aggregate classification (germline): Uncertain significance (1 of 4 stars; one submission).

Submission:

Labcorp Genetics (formerly Invitae), Labcorp
Classification: Uncertain significance. Last evaluated: 2024-04-25. Review status: criteria provided, single submitter. Criteria: Invitae Variant Classification Sherloc (09022015). Collection method: clinical testing. Allele origin: germline.
Comment: This sequence change replaces glutamic acid, which is acidic and polar, with glycine, which is neutral and non-polar, at codon 127 of the RNF31 protein (p.Glu127Gly). This variant is present in population databases (no rsID available, gnomAD 0.0009%). This variant has not been reported in the literature in individuals affected with RNF31-related conditions. An algorithm developed to predict the effect of missense changes on protein structure and function (PolyPhen-2) suggests that this variant is likely to be disruptive. In summary, the available evidence is currently insufficient to determine the role of this variant in disease. Therefore, it has been classified as a Variant of Uncertain Significance.

NM_017999.5(RNF31):c.380A>G (p.Glu127Gly)

Gene: RNF31 (ring finger protein 31; plus strand). Cytogenetic location: 14q12.
Variant type: single nucleotide variant.
Coding change: c.380A>G on transcript NM_017999.5 (MANE Select); coding-DNA position 380, A replaced by G.
Protein change: p.Glu127Gly; replaces glutamic acid 127 with glycine.
Molecular consequence: missense variant. On other transcripts: 5 prime UTR variant (1).
Genome position (GRCh38, 1-based): chr14:24,148,298, A>G. VCF-style: chr14-24148298-A-G. GRCh37 (hg19) VCF-style: chr14-24617507-A-G.
Other names: c.-138A>G (NM_001310332.2); short protein forms E127G.
Identifiers: ClinVar variation 3651138 (VCV003651138.2).